The following is an entry in ClinVar:

ClinVar aggregate classification (germline): Likely pathogenic (1 of 4 stars; one submission).

Conditions:
Hypokalemic periodic paralysis, type 1. Also called: HypoPP; Hypokalemic Periodic Paralysis Type 1 (AD). Identifiers: Orphanet 681, MedGen C3714580, MONDO:0042979, OMIM 170400.
Malignant hyperthermia, susceptibility to, 5 (MHS5). Also called: CACNA1S-Related Malignant Hyperthermia Susceptibility. Identifiers: Orphanet 423, MedGen C1866077, MONDO:0011163, OMIM 601887.

Submission:

Labcorp Genetics (formerly Invitae), Labcorp
Classification: Likely pathogenic for Hypokalemic periodic paralysis, type 1; Malignant hyperthermia, susceptibility to, 5. Last evaluated: 2024-06-19. Review status: criteria provided, single submitter. Criteria: Invitae Variant Classification Sherloc (09022015). Collection method: clinical testing. Allele origin: germline.
Comment: This sequence change affects an acceptor splice site in intron 7 of the CACNA1S gene. It is expected to disrupt RNA splicing. Variants that disrupt the donor or acceptor splice site typically lead to a loss of protein function (PMID: 16199547), and loss-of-function variants in CACNA1S are known to be pathogenic (PMID: 26247046, 28012042). This variant is not present in population databases (gnomAD no frequency). This variant has not been reported in the literature in individuals affected with CACNA1S-related conditions. Algorithms developed to predict the effect of sequence changes on RNA splicing suggest that this variant may disrupt the consensus splice site. In summary, the currently available evidence indicates that the variant is pathogenic, but additional data are needed to prove that conclusively. Therefore, this variant has been classified as Likely Pathogenic.

Literature cited by the submitters: PubMed 16199547; PubMed 26247046; PubMed 28012042.

NM_000069.3(CACNA1S):c.1005-1G>A

Gene: CACNA1S (calcium voltage-gated channel subunit alpha1 S; minus strand). Cytogenetic location: 1q32.1.
Variant type: single nucleotide variant.
Coding change: c.1005-1G>A on transcript NM_000069.3 (MANE Select); the canonical splice acceptor site of the intron before coding-DNA position 1005, G replaced by A.
Molecular consequence: splice acceptor variant.
Genome position (GRCh38, 1-based): chr1:201,085,582, C>T on the plus strand (G>A on the coding strand, the complement: CACNA1S is on the minus strand). VCF-style: chr1-201085582-C-T. GRCh37 (hg19) VCF-style: chr1-201054710-C-T.
Identifiers: ClinVar variation 3756890 (VCV003756890.2).